The following is an entry in ClinVar:

NM_006859.4(LIAS):c.955-3T>G

Gene: LIAS (lipoic acid synthetase; plus strand). Cytogenetic location: 4p14.
Variant type: single nucleotide variant.
Coding change: c.955-3T>G on transcript NM_006859.4 (MANE Select); 3 bases into the intron before coding-DNA position 955, T replaced by G.
Molecular consequence: intron variant.
Genome position (GRCh38, 1-based): chr4:39,473,097, T>G. VCF-style: chr4-39473097-T-G. GRCh37 (hg19) VCF-style: chr4-39474717-T-G.
Other names: c.954+1791T>G (NM_194451.3); c.826-3T>G (NM_001278590.2); c.646-3T>G (NM_001363700.2).
Identifiers: ClinVar variation 2089664 (VCV002089664.4), dbSNP rs2475015443, ClinGen allele CA2580071055.

ClinVar aggregate classification (germline): Uncertain significance (1 of 4 stars; one submission).

Conditions:
Lipoic acid synthetase deficiency. Also called: HYPERGLYCINEMIA, LACTIC ACIDOSIS, AND SEIZURES. Identifiers: Orphanet 401859, MedGen C3280887, MONDO:0013762, OMIM 614462.

Submission:

Labcorp Genetics (formerly Invitae), Labcorp
Classification: Uncertain significance for Lipoic acid synthetase deficiency. Last evaluated: 2022-01-26. Review status: criteria provided, single submitter. Criteria: Invitae Variant Classification Sherloc (09022015). Collection method: clinical testing. Allele origin: germline.
Comment: This sequence change falls in intron 9 of the LIAS gene. It does not directly change the encoded amino acid sequence of the LIAS protein. It affects a nucleotide within the consensus splice site. This variant is not present in population databases (gnomAD no frequency). This variant has not been reported in the literature in individuals affected with LIAS-related conditions. Variants that disrupt the consensus splice site are a relatively common cause of aberrant splicing (PMID: 17576681, 9536098). Algorithms developed to predict the effect of sequence changes on RNA splicing suggest that this variant may disrupt the consensus splice site. In summary, the available evidence is currently insufficient to determine the role of this variant in disease. Therefore, it has been classified as a Variant of Uncertain Significance.

Literature cited by the submitters: PubMed 17576681; PubMed 9536098.